The following is an entry in ClinVar:

NM_001098511.3(KIF2A):c.558+201T>G

Gene: KIF2A (kinesin family member 2A; plus strand). Cytogenetic location: 5q12.1.
Variant type: single nucleotide variant.
Coding change: c.558+201T>G on transcript NM_001098511.3 (MANE Select); 201 bases into the intron after coding-DNA position 558, T replaced by G.
Molecular consequence: intron variant.
Genome position (GRCh38, 1-based): chr5:62,353,576, T>G. VCF-style: chr5-62353576-T-G. GRCh37 (hg19) VCF-style: chr5-61649403-T-G.
Other names: c.477+201T>G (NM_001243952.2); c.558+201T>G (NM_004520.5); c.501+201T>G (NM_001243953.2).
Identifiers: ClinVar variation 682866 (VCV000682866.1), dbSNP rs4700491, ClinGen allele CA12027459.

ClinVar aggregate classification (germline): Benign (1 of 4 stars; one submission).

Allele frequency attached by ClinVar (database versions not stated): gnomAD 0.13389 and 0.13551; TOPMed 0.14541; 1000 Genomes Project 0.18870; 1000 Genomes Project 30x 0.19082.
gnomAD v4.1: 20,544 of 152,172 alleles (14%); highest among the groups gnomAD compares: East Asian, 25%; 1,619 homozygotes.

Submission:

GeneDx
Classification: Benign. Last evaluated: 2018-06-16. Review status: criteria provided, single submitter. Criteria: GeneDx Variant Classification (06012015). Collection method: clinical testing. Allele origin: germline. Affected: yes.
Comment: This variant is considered likely benign or benign based on one or more of the following criteria: it is a conservative change, it occurs at a poorly conserved position in the protein, it is predicted to be benign by multiple in silico algorithms, and/or has population frequency not consistent with disease.